The following is an entry in ClinVar:

ClinVar aggregate classification (germline): Uncertain significance (1 of 4 stars; one submission).

Conditions:
Hereditary cancer-predisposing syndrome. Also called: Hereditary Cancer Syndrome; Hereditary neoplastic syndrome; Neoplastic Syndromes, Hereditary; Tumor predisposition. Identifiers: Orphanet 140162, MedGen C0027672, MeSH D009386, MONDO:0015356.

Submission:

Ambry Genetics
Classification: Uncertain significance for Hereditary cancer-predisposing syndrome. Last evaluated: 2026-07-30. Review status: criteria provided, single submitter. Criteria: Ambry Variant Classification Scheme 2023. Collection method: clinical testing. Allele origin: germline.
Comment: The p.P1050R variant (also known as c.3149C>G), located in coding exon 18 of the PTCH1 gene, results from a C to G substitution at nucleotide position 3149. The proline at codon 1050 is replaced by arginine, an amino acid with dissimilar properties. This amino acid position is highly conserved in available vertebrate species. In addition, this alteration is predicted to be deleterious by in silico analysis. Based on the available evidence, the clinical significance of this variant remains unclear.

NM_000264.5(PTCH1):c.3149C>G (p.Pro1050Arg)

Gene: PTCH1 (patched 1; minus strand). Cytogenetic location: 9q22.32.
Variant type: single nucleotide variant.
Coding change: c.3149C>G on transcript NM_000264.5 (MANE Select); coding-DNA position 3149, C replaced by G.
Protein change: p.Pro1050Arg; replaces proline 1050 with arginine.
Molecular consequence: missense variant. On other transcripts: non-coding transcript variant (1).
Genome position (GRCh38, 1-based): chr9:95,458,032, G>C on the plus strand (C>G on the coding strand, the complement: PTCH1 is on the minus strand). VCF-style: chr9-95458032-G-C. GRCh37 (hg19) VCF-style: chr9-98220314-G-C.
Other names: c.2951C>G, p.Pro984Arg (NM_001083602.3); c.3146C>G, p.Pro1049Arg (NM_001083603.3); c.2696C>G, p.Pro899Arg (NM_001083604.3, NM_001083605.3, NM_001083606.3 and 1 more transcripts); c.2993C>G, p.Pro998Arg (NM_001354918.2); short protein forms P984R, P1050R, P899R, P1049R, P998R.
Identifiers: ClinVar variation 2449623 (VCV002449623.3), dbSNP rs1420175816, ClinGen allele CA374112285.